The following is an entry in ClinVar:

NM_003072.5(SMARCA4):c.1730C>T (p.Ala577Val)

Gene: SMARCA4 (SWI/SNF related BAF chromatin remodeling complex subunit ATPase 4; plus strand). Cytogenetic location: 19p13.2.
Variant type: single nucleotide variant.
Coding change: c.1730C>T on transcript NM_003072.5 (MANE Select); coding-DNA position 1730, C replaced by T.
Protein change: p.Ala577Val; replaces alanine 577 with valine.
Molecular consequence: missense variant. On other transcripts: non-coding transcript variant (1).
Genome position (GRCh38, 1-based): chr19:10,996,349, C>T. VCF-style: chr19-10996349-C-T. GRCh37 (hg19) VCF-style: chr19-11107025-C-T.
Other names: c.1730C>T, p.Ala577Val (NM_001128844.3, NM_001128845.2, NM_001128846.2 and 6 more transcripts); short protein forms A577V.
Identifiers: ClinVar variation 4864749 (VCV004864749.1).

ClinVar aggregate classification (germline): Uncertain significance (1 of 4 stars; one submission).

Conditions:
Hereditary cancer-predisposing syndrome. Also called: Neoplastic Syndromes, Hereditary; Tumor predisposition; Hereditary Cancer Syndrome; Hereditary neoplastic syndrome. Identifiers: Orphanet 140162, MedGen C0027672, MeSH D009386, MONDO:0015356.

Submission:

Ambry Genetics
Classification: Uncertain significance for Hereditary cancer-predisposing syndrome. Last evaluated: 2026-03-31. Review status: criteria provided, single submitter. Criteria: Ambry Variant Classification Scheme 2023. Collection method: clinical testing. Allele origin: germline.
Comment: The p.A577V variant (also known as c.1730C>T), located in coding exon 9 of the SMARCA4 gene, results from a C to T substitution at nucleotide position 1730. The alanine at codon 577 is replaced by valine, an amino acid with similar properties. This amino acid position is conserved. In addition, this alteration is predicted to be tolerated by in silico analysis. Based on the available evidence, the clinical significance of this variant remains unclear.